The following is an entry in ClinVar:

ClinVar aggregate classification (germline): Likely pathogenic (0 of 4 stars; one submission).

Conditions:
BICRA-related disorder. Also called: BICRA-related condition.

Submission:

PreventionGenetics, part of Exact Sciences
Classification: Likely pathogenic for BICRA-related condition. Last evaluated: 2024-07-24. Review status: no assertion criteria provided. Collection method: clinical testing. Allele origin: germline.
Comment: The BICRA c.266delG variant is predicted to result in a frameshift and premature protein termination (p.Gly89Alafs*88). To our knowledge, this variant has not been reported in the literature or in a large population database, indicating this variant is rare. Frameshift variants in BICRA are expected to be pathogenic. This variant is interpreted as likely pathogenic.

NM_001394372.1(BICRA):c.266del (p.Gly89fs)

Gene: BICRA (BRD4 interacting chromatin remodeling complex associated protein; plus strand). Cytogenetic location: 19q13.33.
Variant type: Deletion.
Coding change: c.266del on transcript NM_001394372.1 (MANE Select); coding-DNA position 266, one base deleted (G; older notation c.266delG).
Protein change: p.Gly89fs; shifts the reading frame from glycine 89.
Molecular consequence: frameshift variant.
Genome position (GRCh38, 1-based): chr19:47,679,436, G deleted; the last of 5 consecutive G bases (chr19:47,679,432-47,679,436); deleting any one gives the same sequence. VCF-style (leftmost placement, unchanged base first): chr19-47679431-AG-A. GRCh37 (hg19) VCF-style: chr19-48182688-AG-A.
Other names: c.266del, p.Gly89fs (NM_015711.3); c.266delG (NM_015711.3); short protein forms G89fs.
Identifiers: ClinVar variation 3347718 (VCV003347718.1).